The following is an entry in ClinVar:

ClinVar aggregate classification (germline): Pathogenic. Review status: criteria provided, multiple submitters, no conflicts (2 of 4 stars). 3 submissions from 3 submitters: Pathogenic (3). Last evaluated 2026-01-26.

Conditions:
Iodotyrosyl coupling defect (TDH3). Also called: HYPOTHYROIDISM, CONGENITAL, DUE TO DYSHORMONOGENESIS, 3; THYROID HORMONOGENESIS, GENETIC DEFECT IN, 3. Identifiers: Orphanet 95716, MedGen C0342194, MONDO:0010135, OMIM 274700.
Autoimmune thyroid disease, susceptibility to, 3. Identifiers: MedGen C1842444, MONDO:0011982, OMIM 608175.

Allele frequency attached by ClinVar (database versions not stated): gnomAD exomes 0.00001; gnomAD 0.00002; ExAC 0.00003; TOPMed 0.00004.

Submissions (3):

Medical and Scientific Branch, Hong Kong Genome Institute
Classification: Pathogenic for Iodotyrosyl coupling defect. Last evaluated: 2026-01-26. Review status: criteria provided, single submitter. Criteria: ACMG Guidelines, 2015. Collection method: clinical testing. Allele origin: biparental. Affected: yes.

Labcorp Genetics (formerly Invitae), Labcorp
Classification: Pathogenic. Last evaluated: 2025-10-15. Review status: criteria provided, single submitter. Criteria: Invitae Variant Classification Sherloc (09022015). Collection method: clinical testing. Allele origin: germline.
Comment: This sequence change creates a premature translational stop signal (p.Ser450Profs*29) in the TG gene. It is expected to result in an absent or disrupted protein product. Loss-of-function variants in TG are known to be pathogenic (PMID: 19837936, 23164529). This variant is present in population databases (rs776553164, gnomAD 0.07%). This premature translational stop signal has been observed in individual(s) with thyroid dyshormonogenesis (PMID: 19837936). ClinVar contains an entry for this variant (Variation ID: 2735215). For these reasons, this variant has been classified as Pathogenic.

Fulgent Genetics
Classification: Pathogenic for Iodotyrosyl coupling defect; Autoimmune thyroid disease, susceptibility to, 3. Last evaluated: 2024-03-20. Review status: criteria provided, single submitter. Criteria: ACMG Guidelines, 2015. Collection method: clinical testing. Allele origin: germline.

Literature cited by the submitters: PubMed 19837936 (cited by Labcorp Genetics (formerly Invitae), Labcorp); PubMed 23164529 (cited by Labcorp Genetics (formerly Invitae), Labcorp).

NM_003235.5(TG):c.1348del (p.Ser450fs)

Gene: TG (thyroglobulin; plus strand). Cytogenetic location: 8q24.22.
Variant type: Deletion.
Coding change: c.1348del on transcript NM_003235.5 (MANE Select); coding-DNA position 1348, one base deleted (T; older notation c.1348delT).
Protein change: p.Ser450fs; shifts the reading frame from serine 450.
Molecular consequence: frameshift variant.
Genome position (GRCh38, 1-based): chr8:132,886,720, T deleted. VCF-style (leftmost placement, unchanged base first): chr8-132886719-CT-C. GRCh37 (hg19) VCF-style: chr8-133898964-CT-C.
Other names: short protein forms S450fs.
Identifiers: ClinVar variation 2735215 (VCV002735215.5), dbSNP rs776553164, ClinGen allele CA4883167.